The following is an entry in ClinVar:

ClinVar aggregate classification (germline): Uncertain significance (1 of 4 stars; one submission).

Allele frequency attached by ClinVar (database versions not stated): gnomAD exomes below 0.00001.
gnomAD v4.1: 1 of 1,613,282 alleles (0.000062%); highest among the groups gnomAD compares: Admixed American, 0.0017%; no homozygotes.

Submission:

Labcorp Genetics (formerly Invitae), Labcorp
Classification: Uncertain significance. Last evaluated: 2023-08-24. Review status: criteria provided, single submitter. Criteria: Invitae Variant Classification Sherloc (09022015). Collection method: clinical testing. Allele origin: germline.
Comment: In summary, the available evidence is currently insufficient to determine the role of this variant in disease. Therefore, it has been classified as a Variant of Uncertain Significance. Advanced modeling of protein sequence and biophysical properties (such as structural, functional, and spatial information, amino acid conservation, physicochemical variation, residue mobility, and thermodynamic stability) has been performed at Invitae for this missense variant, however the output from this modeling did not meet the statistical confidence thresholds required to predict the impact of this variant on MTPAP protein function. ClinVar contains an entry for this variant (Variation ID: 1913377). This variant has not been reported in the literature in individuals affected with MTPAP-related conditions. This variant is not present in population databases (gnomAD no frequency). This sequence change replaces proline, which is neutral and non-polar, with leucine, which is neutral and non-polar, at codon 393 of the MTPAP protein (p.Pro393Leu).

NM_018109.4(MTPAP):c.1178C>T (p.Pro393Leu)

Gene: MTPAP (mitochondrial poly(A) polymerase; minus strand). Cytogenetic location: 10p11.23.
Variant type: single nucleotide variant.
Coding change: c.1178C>T on transcript NM_018109.4 (MANE Select); coding-DNA position 1178, C replaced by T.
Protein change: p.Pro393Leu; replaces proline 393 with leucine.
Molecular consequence: missense variant.
Genome position (GRCh38, 1-based): chr10:30,322,432, G>A on the plus strand (C>T on the coding strand, the complement: MTPAP is on the minus strand). VCF-style: chr10-30322432-G-A. GRCh37 (hg19) VCF-style: chr10-30611361-G-A.
Other names: short protein forms P393L.
Identifiers: ClinVar variation 1913377 (VCV001913377.5), dbSNP rs1840735978, ClinGen allele CA376436298.